The following is an entry in ClinVar:

NM_022788.5(P2RY12):c.380C>T (p.Thr127Ile)

Genes: MED12L (mediator complex subunit 12L; plus strand), P2RY12 (purinergic receptor P2Y12; minus strand). Cytogenetic location: 3q25.1.
Variant type: single nucleotide variant.
Coding change: c.380C>T on transcript NM_022788.5 (MANE Select); coding-DNA position 380, C replaced by T.
Protein change: p.Thr127Ile; replaces threonine 127 with isoleucine.
Molecular consequence: missense variant. On other transcripts: intron variant (2).
Genome position (GRCh38, 1-based): chr3:151,338,466, G>A on the plus strand (C>T on the coding strand, the complement: P2RY12 is on the minus strand). VCF-style: chr3-151338466-G-A. GRCh37 (hg19) VCF-style: chr3-151056254-G-A.
Other names: p.Thr127Ile; c.380C>T, p.Thr127Ile (NM_176876.3); c.2251-11593G>A (NM_001393769.1); c.2146-11593G>A (NM_053002.6); short protein forms T127I.
Identifiers: ClinVar variation 2039097 (VCV002039097.19), dbSNP rs116818045, ClinGen allele CA2667867.

ClinVar aggregate classification (germline): Benign/Likely benign. Review status: criteria provided, multiple submitters, no conflicts (2 of 4 stars). 3 submissions from 3 submitters: Benign (2); Likely benign (1). Last evaluated 2026-04-01.

Allele frequency attached by ClinVar (database versions not stated): gnomAD exomes 0.00031; ExAC 0.00112; 1000 Genomes Project 0.00200; 1000 Genomes Project 30x 0.00219; gnomAD 0.00325; TOPMed 0.00390; ESP Exome Variant Server 0.00461.
gnomAD v4.1: 969 of 1,613,944 alleles (0.06%); highest among the groups gnomAD compares: African/African-American, 1.2%; 9 homozygotes.

Submissions (3):

CeGaT Center for Human Genetics Tuebingen
Classification: Likely benign. Last evaluated: 2026-04-01. Review status: criteria provided, single submitter. Criteria: CeGaT Center For Human Genetics Tuebingen Variant Classification Criteria Version 2. Collection method: clinical testing. Allele origin: germline. Affected: yes. Observed: 3 variant alleles.
Comment: P2RY12: BS1

Labcorp Genetics (formerly Invitae), Labcorp
Classification: Benign. Last evaluated: 2025-12-26. Review status: criteria provided, single submitter. Criteria: Invitae Variant Classification Sherloc (09022015). Collection method: clinical testing. Allele origin: germline.

Mayo Clinic Laboratories, Mayo Clinic
Classification: Benign. Last evaluated: 2024-12-31. Review status: criteria provided, single submitter. Criteria: ACMG Guidelines, 2015. Collection method: clinical testing. Allele origin: germline. Observed: 2 variant alleles.
Comment: BS1, BS2, BP4_moderate